The following is an entry in ClinVar:

NM_001101426.4(CRPPA):c.790-14T>C

Gene: CRPPA (CDP-L-ribitol pyrophosphorylase A; minus strand). Cytogenetic location: 7p21.2.
Variant type: single nucleotide variant.
Coding change: c.790-14T>C on transcript NM_001101426.4 (MANE Select); 14 bases into the intron before coding-DNA position 790, T replaced by C.
Molecular consequence: intron variant.
Genome position (GRCh38, 1-based): chr7:16,301,480, A>G on the plus strand (T>C on the coding strand, the complement: CRPPA is on the minus strand). VCF-style: chr7-16301480-A-G. GRCh37 (hg19) VCF-style: chr7-16341105-A-G.
Other names: c.640-14T>C (NM_001101417.4); c.685-14T>C (NM_001368197.1).
Identifiers: ClinVar variation 389223 (VCV000389223.16), dbSNP rs142414812, ClinGen allele CA4169497.

ClinVar aggregate classification (germline): Benign/Likely benign. Review status: criteria provided, multiple submitters, no conflicts (2 of 4 stars). 6 submissions from 6 submitters: Benign (1); Likely benign (2). 3 of the submissions do not count toward it. Last evaluated 2026-01-21.

Conditions:
Muscular dystrophy-dystroglycanopathy (congenital with brain and eye anomalies), type A, 7. Also called: WALKER-WARBURG SYNDROME OR MUSCLE-EYE-BRAIN DISEASE, ISPD-RELATED; Congenital muscular dystrophy-dystroglycanopathy with brain and eye anomalies, type A7. Identifiers: Orphanet 899, MedGen C3553330, MONDO:0013835, OMIM 614643.
Autosomal recessive limb-girdle muscular dystrophy type 2U. Also called: Muscular dystrophy-dystroglycanopathy (limb-girdle), type c, 7; MUSCULAR DYSTROPHY, LIMB-GIRDLE, TYPE 2U. Identifiers: Orphanet 352479, MedGen C5190987, MONDO:0014474, OMIM 616052.

Allele frequency attached by ClinVar (database versions not stated): 1000 Genomes Project 30x 0.00062; 1000 Genomes Project 0.00080; gnomAD exomes 0.00093 and 0.00183; ExAC 0.00100; TOPMed 0.00105; gnomAD 0.00119 and 0.00123; ESP Exome Variant Server 0.00235.
gnomAD v4.1: 2,779 of 1,601,964 alleles (0.17%); highest among the groups gnomAD compares: Non-Finnish European, 0.23%; 6 homozygotes.

Submissions (6):

Labcorp Genetics (formerly Invitae), Labcorp
Classification: Benign for Muscular dystrophy-dystroglycanopathy (congenital with brain and eye anomalies), type A, 7; Autosomal recessive limb-girdle muscular dystrophy type 2U. Last evaluated: 2026-01-21. Review status: criteria provided, single submitter. Criteria: Invitae Variant Classification Sherloc (09022015). Collection method: clinical testing. Allele origin: germline.

Blueprint Genetics
Classification: Likely benign. Last evaluated: 2024-11-05. Review status: criteria provided, single submitter. Criteria: ACMG Guidelines, 2015. Collection method: clinical testing. Allele origin: germline.

GeneDx
Classification: Likely benign. Last evaluated: 2017-10-09. Review status: criteria provided, single submitter. Criteria: GeneDx Variant Classification (06012015). Collection method: clinical testing. Allele origin: germline. Affected: yes.
Comment: This variant is considered likely benign or benign based on one or more of the following criteria: it is a conservative change, it occurs at a poorly conserved position in the protein, it is predicted to be benign by multiple in silico algorithms, and/or has population frequency not consistent with disease.

Clinical Genetics DNA and cytogenetics Diagnostics Lab, Erasmus MC, Erasmus Medical Center
Classification: Benign. Review status: no assertion criteria provided. Collection method: clinical testing. Allele origin: germline. Affected: yes. Study: VKGL Data-share Consensus. Not counted in ClinVar's aggregate classification.

Genome Diagnostics Laboratory, University Medical Center Utrecht
Classification: Likely benign. Review status: no assertion criteria provided. Collection method: clinical testing. Allele origin: germline. Affected: yes. Study: VKGL Data-share Consensus. Not counted in ClinVar's aggregate classification.

Laboratory of Diagnostic Genome Analysis, Leiden University Medical Center (LUMC)
Classification: Likely benign. Review status: no assertion criteria provided. Collection method: clinical testing. Allele origin: germline. Affected: yes. Study: VKGL Data-share Consensus. Not counted in ClinVar's aggregate classification.